The following is an entry in ClinVar:

ClinVar aggregate classification (germline): Likely benign. Review status: criteria provided, multiple submitters, no conflicts (2 of 4 stars). 5 submissions from 5 submitters: Likely benign (4). 1 of the submissions does not count toward it. Last evaluated 2026-03-01.

Conditions:
IL6ST-related disorder. Also called: IL6ST-related condition.

Allele frequency attached by ClinVar (database versions not stated): gnomAD 0.00005 and 0.00008; ESP Exome Variant Server 0.00008; gnomAD exomes 0.00010 and 0.00014; ExAC 0.00011; TOPMed 0.00016.
gnomAD v4.1: 162 of 1,611,482 alleles (0.01%); highest among the groups gnomAD compares: Middle Eastern, 1.1%; 1 homozygote.

Submissions (5):

CeGaT Center for Human Genetics Tuebingen
Classification: Likely benign. Last evaluated: 2026-03-01. Review status: criteria provided, single submitter. Criteria: CeGaT Center For Human Genetics Tuebingen Variant Classification Criteria Version 2. Collection method: clinical testing. Allele origin: germline. Affected: yes. Observed: 4 variant alleles.
Comment: IL6ST: BP4, BP7

Labcorp Genetics (formerly Invitae), Labcorp
Classification: Likely benign. Last evaluated: 2025-11-08. Review status: criteria provided, single submitter. Criteria: Invitae Variant Classification Sherloc (09022015). Collection method: clinical testing. Allele origin: germline.

Blueprint Genetics
Classification: Likely benign. Last evaluated: 2024-07-29. Review status: criteria provided, single submitter. Criteria: ACMG Guidelines, 2015. Collection method: clinical testing. Allele origin: germline.

Breakthrough Genomics
Classification: Likely benign. Review status: criteria provided, single submitter. Criteria: ACMG Guidelines, 2015. Collection method: not provided. Allele origin: germline. Inheritance: Autosomal recessive inheritance. Affected: yes.

PreventionGenetics, part of Exact Sciences
Classification: Likely benign for IL6ST-related condition. Last evaluated: 2023-07-07. Review status: no assertion criteria provided. Collection method: clinical testing. Allele origin: germline. Not counted in ClinVar's aggregate classification.
Comment: This variant is classified as likely benign based on ACMG/AMP sequence variant interpretation guidelines (Richards et al. 2015 PMID: 25741868, with internal and published modifications).

NM_002184.4(IL6ST):c.372G>A (p.Leu124=)

Gene: IL6ST (interleukin 6 cytokine family signal transducer; minus strand). Cytogenetic location: 5q11.2.
Variant type: single nucleotide variant.
Coding change: c.372G>A on transcript NM_002184.4 (MANE Select); coding-DNA position 372, G replaced by A.
Protein change: p.Leu124=; no amino-acid change (leucine 124 retained).
Molecular consequence: synonymous variant. On other transcripts: non-coding transcript variant (2), intron variant (3).
Genome position (GRCh38, 1-based): chr5:55,968,395, C>T on the plus strand (G>A on the coding strand, the complement: IL6ST is on the minus strand). VCF-style: chr5-55968395-C-T. GRCh37 (hg19) VCF-style: chr5-55264223-C-T.
Other names: c.372G>A, p.Leu124= (NM_001190981.2, NM_001364275.2, NM_175767.3); c.162G>A, p.Leu54= (NM_001364276.2); c.-423+1155G>A (NM_001364279.2, NM_001364277.2); c.-413+1155G>A (NM_001364278.2); c.372G>A (NM_002184.3).
Identifiers: ClinVar variation 1635503 (VCV001635503.42), dbSNP rs200977907, ClinGen allele CA3271714.
Genomic context (GRCh38, chr5:55,968,395, plus strand): 5'-ACACCTCATTTTCTTCCCCTCGTTCACAATGCAACTCAAATTTTTAGGTTTTTCTGGAGG[C>T]ACTAAAAGGGATTAATTAGCATCTTTCAGAAAGCTTTATATCCACAAATATTATGCAATT-3'
Protein context (NP_002175.2, residues 114-134): NVYGITIISG[Leu124=]PPEKPKNLSC